The following is an entry in ClinVar:

NM_001303256.3(MORC2):c.2282G>A (p.Arg761Gln)

Gene: MORC2 (MORC family CW-type zinc finger 2; minus strand). Cytogenetic location: 22q12.2.
Variant type: single nucleotide variant.
Coding change: c.2282G>A on transcript NM_001303256.3 (MANE Select); coding-DNA position 2282, G replaced by A.
Protein change: p.Arg761Gln; replaces arginine 761 with glutamine.
Molecular consequence: missense variant.
Genome position (GRCh38, 1-based): chr22:30,934,103, C>T on the plus strand (G>A on the coding strand, the complement: MORC2 is on the minus strand). VCF-style: chr22-30934103-C-T. GRCh37 (hg19) VCF-style: chr22-31330090-C-T.
Other names: c.2282G>A, p.Arg761Gln (NM_001303257.2); c.2096G>A, p.Arg699Gln (NM_014941.3); short protein forms R699Q, R761Q.
Identifiers: ClinVar variation 663803 (VCV000663803.9), dbSNP rs754626172, ClinGen allele CA10186722.

ClinVar aggregate classification (germline): Uncertain significance (1 of 4 stars; one submission).

Conditions:
Charcot-Marie-Tooth disease axonal type 2Z. Also called: CHARCOT-MARIE-TOOTH DISEASE, AXONAL, AUTOSOMAL DOMINANT, TYPE 2Z; CHARCOT-MARIE-TOOTH NEUROPATHY, TYPE 2Z. Identifiers: Orphanet 466768, MedGen C5569025, MONDO:0014736, OMIM 616688.

Allele frequency attached by ClinVar (database versions not stated): gnomAD exomes below 0.00001 and 0.00001; ExAC 0.00001.
gnomAD v4.1: 12 of 1,614,144 alleles (0.00074%); highest among the groups gnomAD compares: Non-Finnish European, 0.001%; no homozygotes.

Submission:

Labcorp Genetics (formerly Invitae), Labcorp
Classification: Uncertain significance for Charcot-Marie-Tooth disease axonal type 2Z. Last evaluated: 2025-10-26. Review status: criteria provided, single submitter. Criteria: Invitae Variant Classification Sherloc (09022015). Collection method: clinical testing. Allele origin: germline.
Comment: This sequence change replaces arginine, which is basic and polar, with glutamine, which is neutral and polar, at codon 761 of the MORC2 protein (p.Arg761Gln). This variant is present in population databases (rs754626172, gnomAD 0.0009%). This variant has not been reported in the literature in individuals affected with MORC2-related conditions. ClinVar contains an entry for this variant (Variation ID: 663803). Invitae Evidence Modeling of protein sequence and biophysical properties (such as structural, functional, and spatial information, amino acid conservation, physicochemical variation, residue mobility, and thermodynamic stability) indicates that this missense variant is not expected to disrupt MORC2 protein function with a negative predictive value of 95%. In summary, the available evidence is currently insufficient to determine the role of this variant in disease. Therefore, it has been classified as a Variant of Uncertain Significance.